The following is an entry in ClinVar:

ClinVar aggregate classification (germline): Likely benign (1 of 4 stars; one submission).

gnomAD v4.1: 226 of 398,584 alleles (0.057%); highest among the groups gnomAD compares: Middle Eastern, 0.25%; no homozygotes.

Submission:

CeGaT Center for Human Genetics Tuebingen
Classification: Likely benign. Last evaluated: 2026-09-01. Review status: criteria provided, single submitter. Criteria: CeGaT Center For Human Genetics Tuebingen Variant Classification Criteria Version 2. Collection method: clinical testing. Allele origin: germline. Affected: yes. Observed: 1 variant allele.
Comment: KCNQ1OT1: BS1

NM_000218.3(KCNQ1):c.1514+29580G>A

Genes: KCNQ1 (potassium voltage-gated channel subfamily Q member 1; plus strand), KCNQ1OT1 (KCNQ1 opposite strand/antisense transcript 1; minus strand). Cytogenetic location: 11p15.5.
Variant type: single nucleotide variant.
Coding change: c.1514+29580G>A on transcript NM_000218.3 (MANE Select); 29580 bases into the intron after coding-DNA position 1514, G replaced by A.
Molecular consequence: intron variant. On other transcripts: non-coding transcript variant (1).
Genome position (GRCh38, 1-based): chr11:2,691,661, G>A. VCF-style: chr11-2691661-G-A. GRCh37 (hg19) VCF-style: chr11-2712891-G-A.
Other names: c.1244+29580G>A (NM_001406837.1); c.1418+29580G>A (NM_001406836.1); c.974+29580G>A (NM_001406838.1); c.1133+29580G>A (NM_181798.2).
Identifiers: ClinVar variation 5041307 (VCV005041307.1).